The following is an entry in ClinVar:

NM_001018005.2(TPM1):c.150C>G (p.Leu50=)

Gene: TPM1 (tropomyosin 1; plus strand). Cytogenetic location: 15q22.2.
Variant type: single nucleotide variant.
Coding change: c.150C>G on transcript NM_001018005.2 (MANE Select); coding-DNA position 150, C replaced by G.
Protein change: p.Leu50=; no amino-acid change (leucine 50 retained).
Molecular consequence: synonymous variant. On other transcripts: intron variant (10), non-coding transcript variant (12).
Genome position (GRCh38, 1-based): chr15:63,044,062, C>G. VCF-style: chr15-63044062-C-G. GRCh37 (hg19) VCF-style: chr15-63336261-C-G.
Other names: c.240+231C>G (NM_001407334.1, NM_001407335.1, NM_001407329.1 and 7 more transcripts); c.150C>G, p.Leu50= (NM_000366.6, NM_001018004.2, NM_001018006.2 and 10 more transcripts); c.276C>G, p.Leu92= (NM_001365778.1, NM_001407322.1, NM_001407323.1 and 1 more transcripts).
Identifiers: ClinVar variation 5040632 (VCV005040632.1).

ClinVar aggregate classification (germline): Likely benign (1 of 4 stars; one submission).

Submission:

CeGaT Center for Human Genetics Tuebingen
Classification: Likely benign. Last evaluated: 2026-08-01. Review status: criteria provided, single submitter. Criteria: CeGaT Center For Human Genetics Tuebingen Variant Classification Criteria Version 2. Collection method: clinical testing. Allele origin: germline. Affected: yes. Observed: 1 variant allele.
Comment: TPM1: PM2:Supporting, BP4, BP7